The following is an entry in ClinVar:

ClinVar aggregate classification (germline): Benign/Likely benign. Review status: criteria provided, multiple submitters, no conflicts (2 of 4 stars). 9 submissions from 9 submitters: Benign (1); Likely benign (6). 2 of the submissions do not count toward it. Last evaluated 2026-01-19.

Conditions:
Cardiovascular phenotype. Identifiers: MedGen CN230736.

Allele frequency attached by ClinVar (database versions not stated): 1000 Genomes Project 30x 0.00016; TOPMed 0.00040; gnomAD 0.00045 and 0.00047; gnomAD exomes 0.00052; ExAC 0.00076.
gnomAD v4.1: 763 of 1,561,304 alleles (0.049%); highest among the groups gnomAD compares: Non-Finnish European, 0.053%; no homozygotes.

Submissions (9):

Labcorp Genetics (formerly Invitae), Labcorp
Classification: Benign. Last evaluated: 2026-01-19. Review status: criteria provided, single submitter. Criteria: Invitae Variant Classification Sherloc (09022015). Collection method: clinical testing. Allele origin: germline.

Women's Health and Genetics/Laboratory Corporation of America, LabCorp
Classification: Likely benign. Last evaluated: 2025-07-15. Review status: criteria provided, single submitter. Criteria: LabCorp Variant Classification Summary - May 2015. Collection method: clinical testing. Allele origin: germline.

Mayo Clinic Laboratories, Mayo Clinic
Classification: Likely benign. Last evaluated: 2025-06-30. Review status: criteria provided, single submitter. Criteria: ACMG Guidelines, 2015. Collection method: clinical testing. Allele origin: germline. Observed: 7 variant alleles.
Comment: BS1, BS2_supporting, BP4, BP7

Blueprint Genetics
Classification: Likely benign. Last evaluated: 2024-11-17. Review status: criteria provided, single submitter. Criteria: ACMG Guidelines, 2015. Collection method: clinical testing. Allele origin: germline.

CeGaT Center for Human Genetics Tuebingen
Classification: Likely benign. Last evaluated: 2024-08-01. Review status: criteria provided, single submitter. Criteria: CeGaT Center For Human Genetics Tuebingen Variant Classification Criteria Version 2. Collection method: clinical testing. Allele origin: germline. Affected: yes. Observed: 7 variant alleles.
Comment: TNXB: BP4, BP7

GeneDx
Classification: Likely benign. Last evaluated: 2020-10-05. Review status: criteria provided, single submitter. Criteria: GeneDx Variant Classification Process June 2021. Collection method: clinical testing. Allele origin: germline. Affected: yes.

Ambry Genetics
Classification: Likely benign for Cardiovascular phenotype. Last evaluated: 2019-03-19. Review status: criteria provided, single submitter. Criteria: Ambry Variant Classification Scheme 2023. Collection method: clinical testing. Allele origin: germline.

Genome Diagnostics Laboratory, Amsterdam University Medical Center
Classification: Likely benign. Review status: no assertion criteria provided. Collection method: clinical testing. Allele origin: germline. Affected: yes. Study: VKGL Data-share Consensus. Not counted in ClinVar's aggregate classification.

Genome Diagnostics Laboratory, University Medical Center Utrecht
Classification: Likely benign. Review status: no assertion criteria provided. Collection method: clinical testing. Allele origin: germline. Affected: yes. Study: VKGL Data-share Consensus. Not counted in ClinVar's aggregate classification.

NM_001365276.2(TNXB):c.1302C>G (p.Ala434=)

Gene: TNXB (tenascin XB; minus strand). Cytogenetic location: 6p21.33.
Variant type: single nucleotide variant.
Coding change: c.1302C>G on transcript NM_001365276.2 (MANE Select); coding-DNA position 1302, C replaced by G.
Protein change: p.Ala434=; no amino-acid change (alanine 434 retained).
Molecular consequence: synonymous variant.
Genome position (GRCh38, 1-based): chr6:32,096,551, G>C on the plus strand (C>G on the coding strand, the complement: TNXB is on the minus strand). VCF-style: chr6-32096551-G-C. GRCh37 (hg19) VCF-style: chr6-32064328-G-C.
Other names: p.Ala434=; c.1302C>G, p.Ala434= (NM_019105.8).
Identifiers: ClinVar variation 809909 (VCV000809909.51), dbSNP rs767040315, ClinGen allele CA3735698.
Genomic context (GRCh38, chr6:32,096,551, plus strand): 5'-CGCATTGCAAACACACACGCCGTTCTCGCAGCGCCCGCGACCTCTACAGTCGCGTGGGCA[G>C]GCGCGCGAGCCGCAATCGGTTCCAGTGTACCCCGGCCAGCACACGCAGCGGCCGTCCTCG-3'
Protein context (NP_001352205.1, residues 424-444): GYTGTDCGSR[Ala434=]CPRDCRGRGR